The following is an entry in ClinVar:

NM_007294.4(BRCA1):c.3658_3659delinsTT (p.Asp1220Phe)

Genes: BRCA1 (BRCA1 DNA repair associated; minus strand), LOC126862571 (BRD4-independent group 4 enhancer GRCh37_chr17:41243136-41244335; plus strand). Cytogenetic location: 17q21.31.
Variant type: Indel.
Coding change: c.3658_3659delinsTT on transcript NM_007294.4 (MANE Select); coding-DNA positions 3658 to 3659, GA replaced by TT.
Protein change: p.Asp1220Phe; replaces aspartic acid 1220 with phenylalanine.
Molecular consequence: missense variant. On other transcripts: intron variant (135).
Genome position (GRCh38, 1-based): chr17:43,091,872-43,091,873, TC replaced by AA on the plus strand (GA replaced by TT on the coding strand, the reverse complement: BRCA1 is on the minus strand). VCF-style: chr17-43091872-TC-AA. GRCh37 (hg19) VCF-style: chr17-41243889-TC-AA.
Other names: c.3532_3533delinsTT, p.Asp1178Phe (NM_001407685.1, NM_001407686.1, NM_001407687.1 and 11 more transcripts); c.3517_3518delinsTT, p.Asp1173Phe (NM_001407692.1, NM_001407694.1, NM_001407695.1 and 29 more transcripts); c.3658_3659delinsTT, p.Asp1220Phe (NM_001407854.1, NM_001407858.1, NM_001407859.1 and 30 more transcripts); c.3655_3656delinsTT, p.Asp1219Phe (NM_001407860.1, NM_001407861.1, NM_001407587.1 and 22 more transcripts); c.3457_3458delinsTT, p.Asp1153Phe (NM_001407862.1); c.3535_3536delinsTT, p.Asp1179Phe (NM_001407863.1, NM_001407648.1, NM_001407664.1 and 19 more transcripts); c.3454_3455delinsTT, p.Asp1152Phe (NM_001407874.1, NM_001407875.1); c.3448_3449delinsTT, p.Asp1150Phe (NM_001407879.1, NM_001407881.1, NM_001407882.1 and 13 more transcripts); and 41 more; short protein forms D1052F, D1092F, D1093F, D1108F, D1109F, D1131F, D1132F, D1149F.
Identifiers: ClinVar variation 4867728 (VCV004867728.1).

ClinVar aggregate classification (germline): Uncertain significance (1 of 4 stars; one submission).

Conditions:
Hereditary cancer-predisposing syndrome. Also called: Neoplastic Syndromes, Hereditary; Tumor predisposition; Hereditary Cancer Syndrome; Hereditary neoplastic syndrome. Identifiers: Orphanet 140162, MedGen C0027672, MeSH D009386, MONDO:0015356.

Submission:

Ambry Genetics
Classification: Uncertain significance for Hereditary cancer-predisposing syndrome. Last evaluated: 2026-05-04. Review status: criteria provided, single submitter. Criteria: Ambry Variant Classification Scheme 2023. Collection method: clinical testing. Allele origin: germline.
Comment: The c.3658_3659delGAinsTT variant (also known as p.D1220F), located in coding exon 9 of the BRCA1 gene, results from an in-frame deletion of GA and insertion of TT at nucleotide positions 3658 to 3659. This results in the substitution of the aspartic acid residue for a phenylalanine residue at codon 1220, an amino acid with highly dissimilar properties. In addition, this variant is predicted to be neutral by in silico analysis (Choi Y et al. PLoS ONE. 2012; 7(10):e46688). This amino acid position is not well conserved in available vertebrate species. Based on the available evidence, the clinical significance of this variant remains unclear.